The following is an entry in ClinVar:

NM_000520.6(HEXA):c.1147-3C>T

Gene: HEXA (hexosaminidase subunit alpha; minus strand). Cytogenetic location: 15q23.
Variant type: single nucleotide variant.
Coding change: c.1147-3C>T on transcript NM_000520.6 (MANE Select); 3 bases into the intron before coding-DNA position 1147, C replaced by T.
Molecular consequence: intron variant.
Genome position (GRCh38, 1-based): chr15:72,346,713, G>A on the plus strand (C>T on the coding strand, the complement: HEXA is on the minus strand). VCF-style: chr15-72346713-G-A. GRCh37 (hg19) VCF-style: chr15-72639054-G-A.
Other names: c.1180-3C>T (NM_001318825.2).
Identifiers: ClinVar variation 2168901 (VCV002168901.1), dbSNP rs1304188592, ClinGen allele CA491117806.

ClinVar aggregate classification (germline): Uncertain significance (1 of 4 stars; one submission).

Conditions:
Tay-Sachs disease (TSD). Also called: GM2 gangliosidosis, type 1; Hexosaminidase alpha-subunit deficiency (variant B); Sphingolipidosis, Tay-Sachs; Hexosaminidase A Deficiency; HEXA DEFICIENCY; HEXA Disorders. Identifiers: Orphanet 845, MedGen C0039373, MONDO:0010100, OMIM 272800.

Allele frequency attached by ClinVar (database versions not stated): gnomAD exomes below 0.00001; TOPMed below 0.00001.
gnomAD v4.1: 1 of 1,613,894 alleles (0.000062%); highest among the groups gnomAD compares: African/African-American, 0.0013%; no homozygotes.

Submission:

Labcorp Genetics (formerly Invitae), Labcorp
Classification: Uncertain significance for Tay-Sachs disease. Last evaluated: 2018-04-12. Review status: criteria provided, single submitter. Criteria: Invitae Variant Classification Sherloc (09022015). Collection method: clinical testing. Allele origin: germline.
Comment: This sequence change falls in intron 10 of the HEXA gene. It does not directly change the encoded amino acid sequence of the HEXA protein, but it affects a nucleotide within the consensus splice site of the intron. This variant is not present in population databases (ExAC no frequency). This variant has not been reported in the literature in individuals with HEXA-related disease. Nucleotide substitutions within the consensus splice site are a relatively common cause of aberrant splicing (PMID: 17576681, 9536098). Algorithms developed to predict the effect of sequence changes on RNA splicing suggest that this variant is not likely to affect RNA splicing, but this prediction has not been confirmed by published transcriptional studies. In summary, the available evidence is currently insufficient to determine the role of this variant in disease. Therefore, it has been classified as a Variant of Uncertain Significance.

Literature cited by the submitters: PubMed 17576681; PubMed 9536098.